The following is an entry in ClinVar:

ClinVar aggregate classification (germline): Uncertain significance. Review status: criteria provided, multiple submitters, no conflicts (2 of 4 stars). 4 submissions from 4 submitters: Uncertain significance (4). Last evaluated 2026-08-18.

Conditions:
Polycystic kidney disease, adult type (PKD1). Also called: Polycystic Kidney Disease 1, Autosomal Dominant; Polycystic kidney disease 1; Polycystic kidney disease 1, severe; POLYCYSTIC KIDNEY DISEASE 1 WITH OR WITHOUT POLYCYSTIC LIVER DISEASE; Polycystic Kidney, Autosomal Dominant; POLYCYSTIC KIDNEY DISEASE, ADULT, TYPE I. Identifiers: MedGen C3149841, MONDO:0008263, OMIM 173900.

Allele frequency attached by ClinVar (database versions not stated): gnomAD exomes below 0.00001; ExAC 0.00009; 1000 Genomes Project 30x 0.00016.
gnomAD v4.1: 10 of 1,583,508 alleles (0.00063%); highest among the groups gnomAD compares: African/African-American, 0.012%; no homozygotes.

Submissions (4):

GeneDx
Classification: Uncertain significance. Last evaluated: 2026-08-18. Review status: criteria provided, single submitter. Criteria: GeneDx Variant Classification Process June 2021. Collection method: clinical testing. Allele origin: germline.
Comment: In silico analysis suggests that this missense variant does not alter protein structure/function; Has not been previously published as pathogenic or benign to our knowledge

Women's Health and Genetics/Laboratory Corporation of America, LabCorp
Classification: Uncertain significance. Last evaluated: 2026-04-21. Review status: criteria provided, single submitter. Criteria: LabCorp Variant Classification Summary - May 2015. Collection method: clinical testing. Allele origin: germline.
Comment: Variant summary: PKD1 c.3467G>C (p.Gly1156Ala) results in a non-conservative amino acid change in the encoded protein sequence. Algorithms developed to predict the effect of missense changes on protein structure and function are either unavailable or do not agree on the potential impact of this missense change. The variant allele was found at a frequency of 2.1e-05 in 194862 control chromosomes. The available data on variant occurrences in the general population are insufficient to allow any conclusion about variant significance. To our knowledge, no occurrence of c.3467G>C in individuals affected with PKD1-related conditions and no experimental evidence demonstrating its impact on protein function have been reported. ClinVar contains an entry for this variant (Variation ID: 1712890). Based on the evidence outlined above, the variant was classified as uncertain significance.

Fulgent Genetics
Classification: Uncertain significance for Polycystic kidney disease, adult type. Last evaluated: 2024-03-05. Review status: criteria provided, single submitter. Criteria: ACMG Guidelines, 2015. Collection method: clinical testing. Allele origin: germline.

Blueprint Genetics
Classification: Uncertain significance. Last evaluated: 2022-01-11. Review status: criteria provided, single submitter. Criteria: ACMG Guidelines, 2015. Collection method: clinical testing. Allele origin: germline.

NM_001009944.3(PKD1):c.3467G>C (p.Gly1156Ala)

Gene: PKD1 (polycystin 1, transient receptor potential channel interacting; minus strand). Cytogenetic location: 16p13.3.
Variant type: single nucleotide variant.
Coding change: c.3467G>C on transcript NM_001009944.3 (MANE Select); coding-DNA position 3467, G replaced by C.
Protein change: p.Gly1156Ala; replaces glycine 1156 with alanine.
Molecular consequence: missense variant.
Genome position (GRCh38, 1-based): chr16:2,111,700, C>G on the plus strand (G>C on the coding strand, the complement: PKD1 is on the minus strand). VCF-style: chr16-2111700-C-G. GRCh37 (hg19) VCF-style: chr16-2161701-C-G.
Other names: c.3467G>C, p.Gly1156Ala (NM_000296.4); short protein forms G1156A.
Identifiers: ClinVar variation 1712890 (VCV001712890.6), dbSNP rs758919377, ClinGen allele CA7832760.